The following is an entry in ClinVar:

NM_015978.3(TNNI3K):c.420del (p.Ile140fs)

Genes: FPGT-TNNI3K (FPGT-TNNI3K readthrough; plus strand), TNNI3K (TNNI3 interacting kinase; plus strand). Cytogenetic location: 1p31.1.
Variant type: Deletion.
Coding change: c.420del on transcript NM_015978.3 (MANE Select); coding-DNA position 420, one base deleted (T; older notation c.420delT).
Protein change: p.Ile140fs; shifts the reading frame from isoleucine 140.
Molecular consequence: frameshift variant.
Genome position (GRCh38, 1-based): chr1:74,271,684, T deleted; the last of 2 consecutive T bases (chr1:74,271,683-74,271,684); deleting either gives the same sequence. VCF-style (leftmost placement, unchanged base first): chr1-74271682-AT-A. GRCh37 (hg19) VCF-style: chr1-74737366-AT-A.
Other names: c.723del, p.Ile241fs (NM_001112808.3, NM_001199327.2); short protein forms I241fs, I140fs.
Identifiers: ClinVar variation 1423085 (VCV001423085.7), dbSNP rs765190191, ClinGen allele CA908887.

ClinVar aggregate classification (germline): Uncertain significance. Review status: criteria provided, multiple submitters, no conflicts (2 of 4 stars). 2 submissions from 2 submitters: Uncertain significance (2). Last evaluated 2025-01-08.

Conditions:
TNNI3K-related disorder. Also called: TNNI3K-related condition.

Submissions (2):

PreventionGenetics, part of Exact Sciences
Classification: Uncertain significance for TNNI3K-related condition. Last evaluated: 2025-01-08. Review status: criteria provided, single submitter. Criteria: ACMG Guidelines, 2015. Collection method: clinical testing. Allele origin: germline.
Comment: The TNNI3K c.420delT variant is predicted to result in a frameshift and premature protein termination (p.Ile140Metfs*4). To our knowledge, this variant has not been reported in the literature. Few chain-terminating variants in TNNI3K are reported in the literature and loss-of-function has not been conclusively established as a mechanism for TNNI3K-related disorders. This variant is reported in 0.0081% of alleles in individuals of African descent in gnomAD and is interpreted as uncertain significance in ClinVar. At this time, the clinical significance of this variant is uncertain due to the absence of conclusive functional and genetic evidence.

Labcorp Genetics (formerly Invitae), Labcorp
Classification: Uncertain significance. Last evaluated: 2021-10-27. Review status: criteria provided, single submitter. Criteria: Invitae Variant Classification Sherloc (09022015). Collection method: clinical testing. Allele origin: germline.
Comment: This variant is present in population databases (rs765190191, gnomAD 0.008%). This sequence change creates a premature translational stop signal (p.Ile140Metfs*4) in the TNNI3K gene. It is expected to result in an absent or disrupted protein product. However, the current clinical and genetic evidence is not sufficient to establish whether loss-of-function variants in TNNI3K cause disease. This variant has not been reported in the literature in individuals affected with TNNI3K-related conditions. In summary, the available evidence is currently insufficient to determine the role of this variant in disease. Therefore, it has been classified as a Variant of Uncertain Significance.